The following is an entry in ClinVar:

NM_001271.4(CHD2):c.295-20G>A

Gene: CHD2 (chromodomain helicase DNA binding protein 2; plus strand). Cytogenetic location: 15q26.1.
Variant type: single nucleotide variant.
Coding change: c.295-20G>A on transcript NM_001271.4 (MANE Select); 20 bases into the intron before coding-DNA position 295, G replaced by A.
Molecular consequence: intron variant.
Genome position (GRCh38, 1-based): chr15:92,927,224, G>A. VCF-style: chr15-92927224-G-A. GRCh37 (hg19) VCF-style: chr15-93470454-G-A.
Other names: c.295-20G>A (NM_001042572.3).
Identifiers: ClinVar variation 386182 (VCV000386182.10), dbSNP rs191859431, ClinGen allele CA7747489.

ClinVar aggregate classification (germline): Benign/Likely benign. Review status: criteria provided, multiple submitters, no conflicts (2 of 4 stars). 3 submissions from 3 submitters: Benign (1); Likely benign (2). Last evaluated 2026-01-05.

Conditions:
Developmental and epileptic encephalopathy 94 (DEE94). Also called: CHD2-Related Neurodevelopmental Disorders; Epileptic encephalopathy, childhood-onset. Identifiers: Orphanet 1942, Orphanet 2382, MedGen C3809278, MONDO:0014150, OMIM 615369.

Allele frequency attached by ClinVar (database versions not stated): ExAC 0.00015; gnomAD 0.00015 and 0.00016; gnomAD exomes 0.00015; TOPMed 0.00021; 1000 Genomes Project 30x 0.00016; 1000 Genomes Project 0.00020.
gnomAD v4.1: 251 of 1,554,514 alleles (0.016%); highest among the groups gnomAD compares: Non-Finnish European, 0.018%; 1 homozygote.

Submissions (3):

Labcorp Genetics (formerly Invitae), Labcorp
Classification: Benign for Developmental and epileptic encephalopathy 94. Last evaluated: 2026-01-05. Review status: criteria provided, single submitter. Criteria: Invitae Variant Classification Sherloc (09022015). Collection method: clinical testing. Allele origin: germline.

Blueprint Genetics
Classification: Likely benign. Last evaluated: 2024-10-11. Review status: criteria provided, single submitter. Criteria: ACMG Guidelines, 2015. Collection method: clinical testing. Allele origin: germline.

GeneDx
Classification: Likely benign. Last evaluated: 2017-09-06. Review status: criteria provided, single submitter. Criteria: GeneDx Variant Classification (06012015). Collection method: clinical testing. Allele origin: germline. Affected: yes.
Comment: This variant is considered likely benign or benign based on one or more of the following criteria: it is a conservative change, it occurs at a poorly conserved position in the protein, it is predicted to be benign by multiple in silico algorithms, and/or has population frequency not consistent with disease.